The following is an entry in ClinVar:

NM_025114.4(CEP290):c.3359A>G (p.Asp1120Gly)

Gene: CEP290 (centrosomal protein 290; minus strand). Cytogenetic location: 12q21.32.
Variant type: single nucleotide variant.
Coding change: c.3359A>G on transcript NM_025114.4 (MANE Select); coding-DNA position 3359, A replaced by G.
Protein change: p.Asp1120Gly; replaces aspartic acid 1120 with glycine.
Molecular consequence: missense variant.
Genome position (GRCh38, 1-based): chr12:88,092,783, T>C on the plus strand (A>G on the coding strand, the complement: CEP290 is on the minus strand). VCF-style: chr12-88092783-T-C. GRCh37 (hg19) VCF-style: chr12-88486560-T-C.
Other names: short protein forms D1120G.
Identifiers: ClinVar variation 2187895 (VCV002187895.1), dbSNP rs1171335377, ClinGen allele CA386004501.

ClinVar aggregate classification (germline): Uncertain significance (1 of 4 stars; one submission).

Conditions:
Joubert syndrome. Also called: CEREBELLOPARENCHYMAL DISORDER IV; JOUBERT-BOLTSHAUSER SYNDROME; Familial aplasia of the vermis. Identifiers: Orphanet 475, MedGen C5979921, MONDO:0018772.
Nephronophthisis. Also called: Juvenile Nephronophthisis. Identifiers: Orphanet 655, MedGen C0687120, MONDO:0019005, HP:0000090.
Meckel-Gruber syndrome. Also called: DYSENCEPHALIA SPLANCHNOCYSTICA; GRUBER SYNDROME; Dysencephalia splachnocystica. Identifiers: Orphanet 564, MedGen C0265215, MONDO:0018921.

Allele frequency attached by ClinVar (database versions not stated): gnomAD exomes below 0.00001; TOPMed below 0.00001; gnomAD 0.00001.
gnomAD v4.1: 4 of 1,610,858 alleles (0.00025%); highest among the groups gnomAD compares: Non-Finnish European, 0.00034%; no homozygotes.

Submission:

Labcorp Genetics (formerly Invitae), Labcorp
Classification: Uncertain significance for Joubert syndrome; Meckel-Gruber syndrome; Nephronophthisis. Last evaluated: 2022-03-04. Review status: criteria provided, single submitter. Criteria: Invitae Variant Classification Sherloc (09022015). Collection method: clinical testing. Allele origin: germline.
Comment: This sequence change replaces aspartic acid, which is acidic and polar, with glycine, which is neutral and non-polar, at codon 1120 of the CEP290 protein (p.Asp1120Gly). This variant is not present in population databases (gnomAD no frequency). This variant has not been reported in the literature in individuals affected with CEP290-related conditions. Algorithms developed to predict the effect of missense changes on protein structure and function are either unavailable or do not agree on the potential impact of this missense change (SIFT: "Deleterious"; PolyPhen-2: "Probably Damaging"; Align-GVGD: "Class C15"). Algorithms developed to predict the effect of sequence changes on RNA splicing suggest that this variant may create or strengthen a splice site. In summary, the available evidence is currently insufficient to determine the role of this variant in disease. Therefore, it has been classified as a Variant of Uncertain Significance.